The following is an entry in ClinVar:

ClinVar aggregate classification (germline): Uncertain significance (1 of 4 stars; one submission).

Submission:

Women's Health and Genetics/Laboratory Corporation of America, LabCorp
Classification: Uncertain significance. Last evaluated: 2021-09-03. Review status: criteria provided, single submitter. Criteria: LabCorp Variant Classification Summary - May 2015. Collection method: clinical testing. Allele origin: germline.
Comment: Variant summary: The variant identified by MLPA or other technology involves the duplication of exons 10-27 in the DMD gene. A presumed nomenclature of c.(960+1_961-1)_(3786+1_3787-1)dup has been designated for the purposes of this classification. It has been assumed that this is a tandem duplication in direct orientation (Richardson_GIM_2018, Newman_AJHG_2015). Although exact breakpoints of this duplication are not known, it is expected to result in an in-frame duplication change in the DMD gene. The variant was absent in 16120 control chromosomes (gnomAD, Structural Variants dataset). The available data on variant occurrences in the general population are insufficient to allow any conclusion about variant significance. Duplication of exons 10-27 was reported as secondary finding in 3 apparently unrelated women undergoing noninvasive prenatal screening in Belgium (Brison_2019). Following segregation analysis, the variant was detected in at least one adult male with a normal phenotype in one of the families. To our knowledge, no experimental evidence demonstrating an impact on protein function has been reported. No clinical diagnostic laboratories have submitted clinical-significance assessments for this variant to ClinVar after 2014. Based on the evidence outlined above, the variant was classified as uncertain significance until additional evidence of clinical and/or functional importance becomes available.

Literature cited by the submitters: PubMed 31197268.

NC_000023.10:g.(32459432_32466572)_(32663270_32715986)dup

Gene: DMD (dystrophin; minus strand). Cytogenetic location: Xp21.1.
Variant type: Duplication.
Identifiers: ClinVar variation 997924 (VCV000997924.2).